The following is an entry in ClinVar:

ClinVar aggregate classification (germline): Conflicting classifications of pathogenicity. Review status: criteria provided, conflicting classifications (1 of 4 stars). 3 submissions from 3 submitters: Uncertain significance (1); Likely benign (1). 1 of the submissions does not count toward it. Last evaluated 2024-10-04.

Conditions:
Retinal dystrophy. Also called: Inherited retinal dystrophy. Identifiers: Orphanet 71862, MedGen C0854723, MeSH D058499, MONDO:0019118, HP:0000556.

Allele frequency attached by ClinVar (database versions not stated): TOPMed 0.00002; gnomAD 0.00006 and 0.00010; ExAC 0.00014.
gnomAD v4.1: 158 of 1,612,908 alleles (0.0098%); highest among the groups gnomAD compares: Middle Eastern, 0.13%; 3 homozygotes.

Submissions (3):

Blueprint Genetics
Classification: Likely benign. Last evaluated: 2024-10-04. Review status: criteria provided, single submitter. Criteria: ACMG Guidelines, 2015. Collection method: clinical testing. Allele origin: germline.

Labcorp Genetics (formerly Invitae), Labcorp
Classification: Uncertain significance. Last evaluated: 2022-10-24. Review status: criteria provided, single submitter. Criteria: Invitae Variant Classification Sherloc (09022015). Collection method: clinical testing. Allele origin: germline.
Comment: This sequence change replaces proline, which is neutral and non-polar, with leucine, which is neutral and non-polar, at codon 75 of the CFAP410 protein (p.Pro75Leu). This variant is present in population databases (rs778987436, gnomAD 0.06%). This variant has not been reported in the literature in individuals affected with CFAP410-related conditions. ClinVar contains an entry for this variant (Variation ID: 998677). Advanced modeling of protein sequence and biophysical properties (such as structural, functional, and spatial information, amino acid conservation, physicochemical variation, residue mobility, and thermodynamic stability) performed at Invitae indicates that this missense variant is not expected to disrupt CFAP410 protein function. In summary, the available evidence is currently insufficient to determine the role of this variant in disease. Therefore, it has been classified as a Variant of Uncertain Significance.

Institute of Human Genetics, Univ. Regensburg, Univ. Regensburg
Classification: Uncertain significance for Retinal dystrophy. Last evaluated: 2023-01-01. Review status: no assertion criteria provided. Criteria: ACMG Guidelines, 2015. Collection method: clinical testing. Allele origin: germline. Affected: yes. Not counted in ClinVar's aggregate classification.

NM_004928.3(CFAP410):c.224C>T (p.Pro75Leu)

Gene: CFAP410 (cilia and flagella associated protein 410; minus strand). Cytogenetic location: 21q22.3.
Variant type: single nucleotide variant.
Coding change: c.224C>T on transcript NM_004928.3 (MANE Select); coding-DNA position 224, C replaced by T.
Protein change: p.Pro75Leu; replaces proline 75 with leucine.
Molecular consequence: missense variant.
Genome position (GRCh38, 1-based): chr21:44,333,182, G>A on the plus strand (C>T on the coding strand, the complement: CFAP410 is on the minus strand). VCF-style: chr21-44333182-G-A. GRCh37 (hg19) VCF-style: chr21-45753065-G-A.
Other names: c.224C>T, p.Pro75Leu (NM_001271440.2, NM_001271441.2); c.101C>T, p.Pro34Leu (NM_001271442.1); short protein forms P34L, P75L.
Identifiers: ClinVar variation 998677 (VCV000998677.9), dbSNP rs778987436, ClinGen allele CA10053757.